The following is an entry in ClinVar:

NM_000548.5(TSC2):c.2934C>T (p.Arg978=)

Gene: TSC2 (TSC complex subunit 2; plus strand). Cytogenetic location: 16p13.3.
Variant type: single nucleotide variant.
Coding change: c.2934C>T on transcript NM_000548.5 (MANE Select); coding-DNA position 2934, C replaced by T.
Protein change: p.Arg978=; no amino-acid change (arginine 978 retained).
Molecular consequence: synonymous variant. On other transcripts: intron variant (9).
Genome position (GRCh38, 1-based): chr16:2,077,694, C>T. VCF-style: chr16-2077694-C-T. GRCh37 (hg19) VCF-style: chr16-2127695-C-T.
Other names: c.2934C>T, p.Arg978= (NM_001114382.3); c.2837+1109C>T (NM_021055.3, NM_001370405.1, NM_001363528.2 and 2 more transcripts); c.2726+1109C>T (NM_001318827.2); c.2237+1109C>T (NM_001318831.2); c.2690+1109C>T (NM_001318829.2); c.2870+1109C>T (NM_001318832.2).
Identifiers: ClinVar variation 1149452 (VCV001149452.13), dbSNP rs2089594737, ClinGen allele CA492954962.
Genomic context (GRCh38, chr16:2,077,694, plus strand): 5'-TAACTCTCCACCCGTGAAAGAATTCAAGGAGAGCTCTGCAGCCGAGGCCTTCCGGTGCCG[C>T]AGCATCAGTGTGTCTGAACATGTGGTCCGCAGGTAGCGGGACTGTCGGGTGGGGGGCACG-3'
Protein context (NP_000539.2, residues 968-988): ESSAAEAFRC[Arg978=]SISVSEHVVR

ClinVar aggregate classification (germline): Benign/Likely benign. Review status: criteria provided, multiple submitters, no conflicts (2 of 4 stars). 4 submissions from 4 submitters: Benign (1); Likely benign (3). Last evaluated 2025-12-13.

Conditions:
Tuberous sclerosis syndrome (TSC). Also called: Tuberous Sclerosis Complex; Tuberous sclerosis. Identifiers: Orphanet 805, MedGen C0041341, MONDO:0001734.
Hereditary cancer-predisposing syndrome. Also called: Hereditary Cancer Syndrome; Hereditary neoplastic syndrome; Neoplastic Syndromes, Hereditary; Tumor predisposition. Identifiers: Orphanet 140162, MedGen C0027672, MeSH D009386, MONDO:0015356.
Tuberous sclerosis 2 (TSC2). Identifiers: Orphanet 805, MedGen C1860707, MONDO:0013199, OMIM 613254.

Submissions (4):

Labcorp Genetics (formerly Invitae), Labcorp
Classification: Likely benign for Tuberous sclerosis 2. Last evaluated: 2025-12-13. Review status: criteria provided, single submitter. Criteria: Invitae Variant Classification Sherloc (09022015). Collection method: clinical testing. Allele origin: germline.

Color Diagnostics, LLC DBA Color Health
Classification: Likely benign for Tuberous sclerosis syndrome. Last evaluated: 2025-07-07. Review status: criteria provided, single submitter. Criteria: ACMG Guidelines, 2015. Collection method: clinical testing. Allele origin: germline.

Myriad Genetics, Inc.
Classification: Benign for Tuberous sclerosis 2. Last evaluated: 2025-05-27. Review status: criteria provided, single submitter. Criteria: Myriad Autosomal Dominant, Autosomal Recessive and X-Linked Classification Criteria (2023). Collection method: clinical testing. Allele origin: unknown.
Comment: This variant is considered benign. This variant is a silent/synonymous amino acid change and it is not expected to impact splicing.

Ambry Genetics
Classification: Likely benign for Hereditary cancer-predisposing syndrome. Last evaluated: 2020-09-08. Review status: criteria provided, single submitter. Criteria: Ambry Variant Classification Scheme 2023. Collection method: clinical testing. Allele origin: germline.